The following is an entry in ClinVar:

NM_000304.4(PMP22):c.*376C>T

Gene: PMP22 (peripheral myelin protein 22; minus strand). Cytogenetic location: 17p12.
Variant type: single nucleotide variant.
Coding change: c.*376C>T on transcript NM_000304.4 (MANE Select); 376 bases downstream of the stop codon, C replaced by T.
Molecular consequence: 3 prime UTR variant. On other transcripts: non-coding transcript variant (2).
Genome position (GRCh38, 1-based): chr17:15,230,541, G>A on the plus strand (C>T on the coding strand, the complement: PMP22 is on the minus strand). VCF-style: chr17-15230541-G-A. GRCh37 (hg19) VCF-style: chr17-15133858-G-A.
Other names: c.*376C>T (NM_001281455.2, NM_001281456.2, NM_153321.3 and 1 more transcripts).
Identifiers: ClinVar variation 892285 (VCV000892285.4), dbSNP rs575964802, ClinGen allele CA288864463.
Genomic context (GRCh38, chr17:15,230,541, plus strand): 5'-GTTTTCTAAATGAGGTGGACTGGGAGGGAGGTATCTTCTTTCAGATGAAAGGGAAGGGGC[G>A]AGATGGAGTTATCTTATTTCTGGGTAAAACAAAACAAACAAACAAAAAACAAAACAAAAA-3'

ClinVar aggregate classification (germline): Benign. Review status: criteria provided, single submitter (1 of 4 stars). 2 submissions from 1 submitter: Benign (2). Last evaluated 2018-01-13.

Conditions:
Charcot-Marie-Tooth disease, type I (CMT1). Also called: Charcot-Marie-Tooth, Type 1; Charcot-Marie-Tooth disease type 1. Identifiers: Orphanet 65753, MedGen C0751036, MONDO:0019011.
Hereditary liability to pressure palsies (HNPP). Also called: POLYNEUROPATHY, FAMILIAL RECURRENT; TOMACULOUS NEUROPATHY; Hereditary Neuropathy with Liability to Pressure Palsies. Identifiers: Orphanet 640, MedGen C0393814, MONDO:0008087, OMIM 162500.

Allele frequency attached by ClinVar (database versions not stated): gnomAD below 0.00001 and 0.00008; TOPMed 0.00002; gnomAD exomes 0.00029; 1000 Genomes Project 0.00060; 1000 Genomes Project 30x 0.00062.
gnomAD v4.1: 37 of 235,426 alleles (0.016%); highest among the groups gnomAD compares: South Asian, 0.18%; no homozygotes.

Submissions (2):

Illumina Laboratory Services, Illumina
Classification: Benign for Charcot-Marie-Tooth disease, type I. Last evaluated: 2018-01-13. Review status: criteria provided, single submitter. Criteria: ICSL Variant Classification Criteria 13 December 2019. Collection method: clinical testing. Allele origin: germline.
Comment: This variant was observed in the ICSL laboratory as part of a predisposition screen in an ostensibly healthy population. It had not been previously curated by ICSL or reported in the Human Gene Mutation Database (HGMD: prior to June 1st, 2018), and was therefore a candidate for classification through an automated scoring system. Utilizing variant allele frequency, disease prevalence and penetrance estimates, and inheritance mode, an automated score was calculated to assess if this variant is too frequent to cause the disease. Based on the score and internal cut-off values, a variant classified as benign is not then subjected to further curation. The score for this variant resulted in a classification of benign for this disease.

Illumina Laboratory Services, Illumina
Classification: Benign for Hereditary liability to pressure palsies. Last evaluated: 2018-01-13. Review status: criteria provided, single submitter. Criteria: ICSL Variant Classification Criteria 13 December 2019. Collection method: clinical testing. Allele origin: germline.
Comment: the same text as in the submission from Illumina Laboratory Services, Illumina above.